The following is an entry in ClinVar:

NM_006950.3(SYN1):c.106G>A (p.Gly36Ser)

Gene: SYN1 (synapsin I; minus strand). Cytogenetic location: Xp11.23.
Variant type: single nucleotide variant.
Coding change: c.106G>A on transcript NM_006950.3 (MANE Select); coding-DNA position 106, G replaced by A.
Protein change: p.Gly36Ser; replaces glycine 36 with serine.
Molecular consequence: missense variant.
Genome position (GRCh38, 1-based): chrX:47,619,623, C>T on the plus strand (G>A on the coding strand, the complement: SYN1 is on the minus strand). VCF-style: chrX-47619623-C-T. GRCh37 (hg19) VCF-style: chrX-47479022-C-T.
Other names: c.106G>A, p.Gly36Ser (NM_133499.2); short protein forms G36S.
Identifiers: ClinVar variation 4719130 (VCV004719130.1).

ClinVar aggregate classification (germline): Uncertain significance (1 of 4 stars; one submission).

Conditions:
Epilepsy, X-linked 1, with variable learning disabilities and behavior disorders. Also called: X-linked epilepsy-learning disabilities-behavior disorders syndrome. Identifiers: Orphanet 85294, MedGen C5774177, MONDO:0010339, OMIM 300491.

Submission:

Labcorp Genetics (formerly Invitae), Labcorp
Classification: Uncertain significance for Epilepsy, X-linked 1, with variable learning disabilities and behavior disorders. Last evaluated: 2025-07-08. Review status: criteria provided, single submitter. Criteria: Invitae Variant Classification Sherloc (09022015). Collection method: clinical testing. Allele origin: germline.
Comment: This sequence change replaces glycine, which is neutral and non-polar, with serine, which is neutral and polar, at codon 36 of the SYN1 protein (p.Gly36Ser). This variant is not present in population databases (gnomAD no frequency). This variant has not been reported in the literature in individuals affected with SYN1-related conditions. An algorithm developed to predict the effect of missense changes on protein structure and function outputs the following: PolyPhen-2: "Benign". The serine amino acid residue is found in multiple mammalian species, which suggests that this missense change does not adversely affect protein function. In summary, the available evidence is currently insufficient to determine the role of this variant in disease. Therefore, it has been classified as a Variant of Uncertain Significance.